The following is an entry in ClinVar:

NM_001003800.2(BICD2):c.989C>A (p.Pro330His)

Gene: BICD2 (BICD cargo adaptor 2; minus strand). Cytogenetic location: 9q22.31.
Variant type: single nucleotide variant.
Coding change: c.989C>A on transcript NM_001003800.2 (MANE Select); coding-DNA position 989, C replaced by A.
Protein change: p.Pro330His; replaces proline 330 with histidine.
Molecular consequence: missense variant.
Genome position (GRCh38, 1-based): chr9:92,720,373, G>T on the plus strand (C>A on the coding strand, the complement: BICD2 is on the minus strand). VCF-style: chr9-92720373-G-T. GRCh37 (hg19) VCF-style: chr9-95482655-G-T.
Other names: c.989C>A, p.Pro330His (NM_015250.4); short protein forms P330H.
Identifiers: ClinVar variation 956478 (VCV000956478.11), dbSNP rs1564060970, ClinGen allele CA374042692.
Genomic context (GRCh38, chr9:92,720,373, plus strand): 5'-TGCTTCAGCTTCTGGATCTCAGAGATGTTGAGCTCACTGAGTAGGTCGGAGACGAGGCTG[G>T]GGGAGGGCGGTGCGAGGCCCTCCTTCTTGGGCGTGGAGGTCTTGTTGTCCAGTGGCAGCT-3'
Protein context (NP_001003800.1, residues 320-340): PKKEGLAPPS[Pro330His]SLVSDLLSEL

ClinVar aggregate classification (germline): Uncertain significance. Review status: criteria provided, multiple submitters, no conflicts (2 of 4 stars). 2 submissions from 2 submitters: Uncertain significance (2). Last evaluated 2024-03-24.

Conditions:
Inborn genetic diseases. Identifiers: MedGen C0950123, MeSH D030342.
Autosomal dominant childhood-onset proximal spinal muscular atrophy with contractures (SMALED2A). Also called: SPINAL MUSCULAR ATROPHY, LOWER EXTREMITY-PREDOMINANT, 2A, CHILDHOOD ONSET, AUTOSOMAL DOMINANT; Spinal muscular atrophy, lower extremity-predominant, 2A, autosomal dominant. Identifiers: Orphanet 363447, Orphanet 363454, MedGen C4747715, MONDO:0014121, OMIM 615290.

Allele frequency attached by ClinVar (database versions not stated): TOPMed 0.00001.
gnomAD v4.1: 54 of 1,613,970 alleles (0.0033%); highest among the groups gnomAD compares: Non-Finnish European, 0.0045%; no homozygotes.

Submissions (2):

Labcorp Genetics (formerly Invitae), Labcorp
Classification: Uncertain significance for Autosomal dominant childhood-onset proximal spinal muscular atrophy with contractures. Last evaluated: 2024-03-24. Review status: criteria provided, single submitter. Criteria: Invitae Variant Classification Sherloc (09022015). Collection method: clinical testing. Allele origin: germline.
Comment: This sequence change replaces proline, which is neutral and non-polar, with histidine, which is basic and polar, at codon 330 of the BICD2 protein (p.Pro330His). This variant is not present in population databases (gnomAD no frequency). This variant has not been reported in the literature in individuals affected with BICD2-related conditions. ClinVar contains an entry for this variant (Variation ID: 956478). Advanced modeling of protein sequence and biophysical properties (such as structural, functional, and spatial information, amino acid conservation, physicochemical variation, residue mobility, and thermodynamic stability) has been performed at Invitae for this missense variant, however the output from this modeling did not meet the statistical confidence thresholds required to predict the impact of this variant on BICD2 protein function. In summary, the available evidence is currently insufficient to determine the role of this variant in disease. Therefore, it has been classified as a Variant of Uncertain Significance.

Ambry Genetics
Classification: Uncertain significance for Inborn genetic diseases. Last evaluated: 2021-09-01. Review status: criteria provided, single submitter. Criteria: Ambry Variant Classification Scheme 2023. Collection method: clinical testing. Allele origin: germline.